The following is an entry in ClinVar:

NM_000540.3(RYR1):c.1577-14T>C

Gene: RYR1 (ryanodine receptor 1; plus strand). Cytogenetic location: 19q13.2.
Variant type: single nucleotide variant.
Coding change: c.1577-14T>C on transcript NM_000540.3 (MANE Select); 14 bases into the intron before coding-DNA position 1577, T replaced by C.
Molecular consequence: intron variant.
Genome position (GRCh38, 1-based): chr19:38,455,437, T>C. VCF-style: chr19-38455437-T-C. GRCh37 (hg19) VCF-style: chr19-38946077-T-C.
Other names: c.1577-14T>C (NM_001042723.2).
Identifiers: ClinVar variation 3069352 (VCV003069352.1), dbSNP rs2514026589, ClinGen allele CA2825002767.
Genomic context (GRCh38, chr19:38,455,437, plus strand): 5'-GTCCCAGTCCTGACTCCCCTGAGAACACCCCAGATCCCCAGTCCTATTGGATCTGACACC[T>C]CTTCCCCCCTCAGCTTCTCTAATCCGTGGCAATCGTAGCAACTGTGCCCTCTTCTCCACA-3'

ClinVar aggregate classification (germline): Likely benign (1 of 4 stars; one submission).

Conditions:
Malignant hyperthermia, susceptibility to, 1 (MHS1). Also called: RYR1-Related Malignant Hyperthermia Susceptibility; Anesthesia related hyperthermia; Malignant hyperpyrexia; Fulminating hyperpyrexia; Pharmacogenic myopathy; Malignant hyperthermia suceptibility 1. Identifiers: Orphanet 423, MedGen C2930980, MONDO:0007783, OMIM 145600.

Submission:

All of Us Research Program, National Institutes of Health
Classification: Likely benign for Malignant hyperthermia, susceptibility to, 1. Last evaluated: 2023-01-10. Review status: criteria provided, single submitter. Criteria: ACMG Guidelines, 2015. Collection method: clinical testing. Allele origin: germline. Inheritance: Autosomal dominant inheritance. Observed: 1 variant allele, 1 heterozygote.
Comment: This study involves interpretation of variants in research participants for the purpose of population health screening. Participant phenotype was not available at the time of variant classification. Additional details can be found in publication PMID: 35346344, PMCID: PMC8962531